The following is an entry in ClinVar:

NM_153603.4(COG7):c.581C>T (p.Ala194Val)

Gene: COG7 (component of oligomeric golgi complex 7; minus strand). Cytogenetic location: 16p12.2.
Variant type: single nucleotide variant.
Coding change: c.581C>T on transcript NM_153603.4 (MANE Select); coding-DNA position 581, C replaced by T.
Protein change: p.Ala194Val; replaces alanine 194 with valine.
Molecular consequence: missense variant.
Genome position (GRCh38, 1-based): chr16:23,442,500, G>A on the plus strand (C>T on the coding strand, the complement: COG7 is on the minus strand). VCF-style: chr16-23442500-G-A. GRCh37 (hg19) VCF-style: chr16-23453821-G-A.
Other names: short protein forms A194V.
Identifiers: ClinVar variation 502709 (VCV000502709.7), dbSNP rs557121999, ClinGen allele CA7961273.

ClinVar aggregate classification (germline): Uncertain significance. Review status: criteria provided, multiple submitters, no conflicts (2 of 4 stars). 2 submissions from 2 submitters: Uncertain significance (2). Last evaluated 2022-07-25.

Conditions:
COG7 congenital disorder of glycosylation (CDG2E). Also called: CONGENITAL DISORDER OF GLYCOSYLATION, TYPE IIe; CDG IIe. Identifiers: Orphanet 79333, MedGen C2931010, MONDO:0012118, OMIM 608779.

Allele frequency attached by ClinVar (database versions not stated): TOPMed 0.00003; ExAC 0.00004; gnomAD 0.00006 and 0.00008; gnomAD exomes 0.00006; 1000 Genomes Project 0.00040; 1000 Genomes Project 30x 0.00062.
gnomAD v4.1: 49 of 1,614,028 alleles (0.003%); highest among the groups gnomAD compares: South Asian, 0.029%; no homozygotes.

Submissions (2):

Labcorp Genetics (formerly Invitae), Labcorp
Classification: Uncertain significance for COG7 congenital disorder of glycosylation. Last evaluated: 2022-07-25. Review status: criteria provided, single submitter. Criteria: Invitae Variant Classification Sherloc (09022015). Collection method: clinical testing. Allele origin: germline.
Comment: This sequence change replaces alanine, which is neutral and non-polar, with valine, which is neutral and non-polar, at codon 194 of the COG7 protein (p.Ala194Val). This variant is present in population databases (rs557121999, gnomAD 0.02%). This variant has not been reported in the literature in individuals affected with COG7-related conditions. ClinVar contains an entry for this variant (Variation ID: 502709). Algorithms developed to predict the effect of missense changes on protein structure and function (SIFT, PolyPhen-2, Align-GVGD) all suggest that this variant is likely to be tolerated. In summary, the available evidence is currently insufficient to determine the role of this variant in disease. Therefore, it has been classified as a Variant of Uncertain Significance.

Eurofins Ntd Llc (ga)
Classification: Uncertain significance. Last evaluated: 2017-06-28. Review status: criteria provided, single submitter. Criteria: EGL Classification Definitions 2015. Collection method: clinical testing. Allele origin: germline. Observed: 1 variant allele, 1 heterozygote.